The following is an entry in ClinVar:

NM_001195263.2(PDZD7):c.2462del (p.Pro821fs)

Gene: PDZD7 (PDZ domain containing 7; minus strand). Cytogenetic location: 10q24.31.
Variant type: Deletion.
Coding change: c.2462del on transcript NM_001195263.2 (MANE Select); coding-DNA position 2462, one base deleted (C; older notation c.2462delC).
Protein change: p.Pro821fs; shifts the reading frame from proline 821.
Molecular consequence: frameshift variant.
Genome position (GRCh38, 1-based): chr10:101,010,427, G deleted on the plus strand (C on the coding strand, the reverse complement: PDZD7 is on the minus strand); the first of 5 consecutive G bases (chr10:101,010,427-101,010,431); deleting any one gives the same sequence. VCF-style (leftmost placement, unchanged base first): chr10-101010426-AG-A. GRCh37 (hg19) VCF-style: chr10-102770183-AG-A.
Other names: short protein forms P821fs.
Identifiers: ClinVar variation 1452742 (VCV001452742.6), dbSNP rs2133998053, ClinGen allele CA2573145465.

ClinVar aggregate classification (germline): Pathogenic (1 of 4 stars; one submission).

Submission:

Labcorp Genetics (formerly Invitae), Labcorp
Classification: Pathogenic. Last evaluated: 2021-09-20. Review status: criteria provided, single submitter. Criteria: Invitae Variant Classification Sherloc (09022015). Collection method: clinical testing. Allele origin: germline.
Comment: For these reasons, this variant has been classified as Pathogenic. This variant has not been reported in the literature in individuals affected with PDZD7-related conditions. The frequency data for this variant in the population databases is considered unreliable, as metrics indicate insufficient coverage at this position in the ExAC database. This sequence change creates a premature translational stop signal (p.Pro821Leufs*33) in the PDZD7 gene. It is expected to result in an absent or disrupted protein product. Loss-of-function variants in PDZD7 are known to be pathogenic (PMID: 20440071).

Literature cited by the submitters: PubMed 20440071.